The following is an entry in ClinVar:

ClinVar aggregate classification (germline): Uncertain significance (1 of 4 stars; one submission).

Submission:

GeneDx
Classification: Uncertain significance. Last evaluated: 2024-10-02. Review status: criteria provided, single submitter. Criteria: GeneDx Variant Classification Process June 2021. Collection method: clinical testing. Allele origin: germline. Affected: yes.
Comment: Not observed at significant frequency in large population cohorts (gnomAD); Missense variants in this gene are a common cause of disease and they are underrepresented in the general population; In silico analysis supports that this missense variant has a deleterious effect on protein structure/function; Has not been previously published as pathogenic or benign to our knowledge.

NM_005633.4(SOS1):c.3686C>T (p.Ser1229Leu)

Gene: SOS1 (SOS Ras/Rac guanine nucleotide exchange factor 1; minus strand). Cytogenetic location: 2p22.1.
Variant type: single nucleotide variant.
Coding change: c.3686C>T on transcript NM_005633.4 (MANE Select); coding-DNA position 3686, C replaced by T.
Protein change: p.Ser1229Leu; replaces serine 1229 with leucine.
Molecular consequence: missense variant.
Genome position (GRCh38, 1-based): chr2:38,986,140, G>A on the plus strand (C>T on the coding strand, the complement: SOS1 is on the minus strand). VCF-style: chr2-38986140-G-A. GRCh37 (hg19) VCF-style: chr2-39213281-G-A.
Other names: c.3665C>T, p.Ser1222Leu (NM_001382394.1); c.3641C>T, p.Ser1214Leu (NM_001382395.1); short protein forms S1214L, S1222L, S1229L.
Identifiers: ClinVar variation 3776512 (VCV003776512.1).